The following is an entry in ClinVar:

NM_000429.3(MAT1A):c.*1092C>G

Gene: MAT1A (methionine adenosyltransferase 1A; minus strand). Cytogenetic location: 10q22.3.
Variant type: single nucleotide variant.
Coding change: c.*1092C>G on transcript NM_000429.3 (MANE Select); 1092 bases downstream of the stop codon, C replaced by G.
Molecular consequence: 3 prime UTR variant.
Genome position (GRCh38, 1-based): chr10:80,272,689, G>C on the plus strand (C>G on the coding strand, the complement: MAT1A is on the minus strand). VCF-style: chr10-80272689-G-C. GRCh37 (hg19) VCF-style: chr10-82032445-G-C.
Identifiers: ClinVar variation 301159 (VCV000301159.6), dbSNP rs41284062, ClinGen allele CA10632458.

ClinVar aggregate classification (germline): Benign. Review status: criteria provided, multiple submitters, no conflicts (2 of 4 stars). 2 submissions from 2 submitters: Benign (2). Last evaluated 2018-01-13.

Conditions:
Hepatic methionine adenosyltransferase deficiency. Also called: MAT I/III DEFICIENCY; Methionine adenosyltransferase deficiency; Deficiency of methionine adenosyltransferase; Isolated Persistent Hypermethioninemia. Identifiers: Orphanet 168598, MedGen C0268621, MeSH C564683, MONDO:0009607, OMIM 250850.

Allele frequency attached by ClinVar (database versions not stated): 1000 Genomes Project 0.02895; gnomAD 0.05472 and 0.05382; 1000 Genomes Project 30x 0.02858; gnomAD exomes 0.03763; TOPMed 0.05431.
gnomAD v4.1: 8,284 of 152,442 alleles (5.4%); highest among the groups gnomAD compares: Non-Finnish European, 8.3%; 294 homozygotes.

Submissions (2):

Illumina Laboratory Services, Illumina
Classification: Benign for Hepatic methionine adenosyltransferase deficiency. Last evaluated: 2018-01-13. Review status: criteria provided, single submitter. Criteria: ICSL Variant Classification Criteria 13 December 2019. Collection method: clinical testing. Allele origin: germline.
Comment: This variant was observed in the ICSL laboratory as part of a predisposition screen in an ostensibly healthy population. It had not been previously curated by ICSL or reported in the Human Gene Mutation Database (HGMD: prior to June 1st, 2018), and was therefore a candidate for classification through an automated scoring system. Utilizing variant allele frequency, disease prevalence and penetrance estimates, and inheritance mode, an automated score was calculated to assess if this variant is too frequent to cause the disease. Based on the score and internal cut-off values, a variant classified as benign is not then subjected to further curation. The score for this variant resulted in a classification of benign for this disease.

Breakthrough Genomics
Classification: Benign. Review status: criteria provided, single submitter. Criteria: ACMG Guidelines, 2015. Collection method: not provided. Allele origin: germline. Inheritance: Autosomal dominant inheritance. Affected: yes.